The following is an entry in ClinVar:

NM_001008212.2(OPTN):c.768G>A (p.Glu256=)

Gene: OPTN (optineurin; plus strand). Cytogenetic location: 10p13.
Variant type: single nucleotide variant.
Coding change: c.768G>A on transcript NM_001008212.2 (MANE Select); coding-DNA position 768, G replaced by A.
Protein change: p.Glu256=; no amino-acid change (glutamic acid 256 retained).
Molecular consequence: synonymous variant.
Genome position (GRCh38, 1-based): chr10:13,119,029, G>A. VCF-style: chr10-13119029-G-A. GRCh37 (hg19) VCF-style: chr10-13161029-G-A.
Other names: c.768G>A, p.Glu256= (NM_001008211.1, NM_001008213.1, NM_021980.4).
Identifiers: ClinVar variation 3058706 (VCV003058706.2), dbSNP rs1833283058, ClinGen allele CA468237959.
Genomic context (GRCh38, chr10:13,119,029, plus strand): 5'-CCTGCTGTGCCTAAGGGAAGGGAATCAGAAGGTGGAGAGACTTGAAGTTGCACTCAAGGA[G>A]GCCAAAGAAAGGTATGAAATAGGTTAACTTGAAATATGTGTTTTTTTAAAACAGCTTTCC-3'
Protein context (NP_001008213.1, residues 246-266): KVERLEVALK[Glu256=]AKERVSDFEK

ClinVar aggregate classification (germline): Likely benign (0 of 4 stars; one submission).

Conditions:
OPTN-related disorder. Also called: OPTN-related disorders; OPTN-related condition.

Allele frequency attached by ClinVar (database versions not stated): gnomAD 0.00001.

Submission:

PreventionGenetics, part of Exact Sciences
Classification: Likely benign for OPTN-related condition. Last evaluated: 2019-04-08. Review status: no assertion criteria provided. Collection method: clinical testing. Allele origin: germline.
Comment: This variant is classified as likely benign based on ACMG/AMP sequence variant interpretation guidelines (Richards et al. 2015 PMID: 25741868, with internal and published modifications).